The following is an entry in ClinVar:

NM_001365536.1(SCN9A):c.3163G>A (p.Glu1055Lys)

Genes: SCN1A-AS1 (SCN1A and SCN9A antisense RNA 1; plus strand), SCN9A (sodium voltage-gated channel alpha subunit 9; minus strand). Cytogenetic location: 2q24.3.
Variant type: single nucleotide variant.
Coding change: c.3163G>A on transcript NM_001365536.1 (MANE Select); coding-DNA position 3163, G replaced by A.
Protein change: p.Glu1055Lys; replaces glutamic acid 1055 with lysine.
Molecular consequence: missense variant.
Genome position (GRCh38, 1-based): chr2:166,272,587, C>T on the plus strand (G>A on the coding strand, the complement: SCN9A is on the minus strand). VCF-style: chr2-166272587-C-T. GRCh37 (hg19) VCF-style: chr2-167129097-C-T.
Other names: c.3130G>A, p.Glu1044Lys (NM_002977.4); short protein forms E1044K, E1055K.
Identifiers: ClinVar variation 1016135 (VCV001016135.9), dbSNP rs1553486703, ClinGen allele CA349073483.
Genomic context (GRCh38, chr2:166,272,587, plus strand): 5'-CACTGTCTTCCATCAAGTGTTTGTCCACGCTGCTTCCAAAACCACTGATTTTATCTTTTT[C>T]CTTGAGGAAATTGTGACCTTTGCTCATTTCAGCAAGTGTATGGTTAGAAATATAGTTTTC-3'
Protein context (NP_001352465.1, residues 1045-1065): EMSKGHNFLK[Glu1055Lys]KDKISGFGSS

ClinVar aggregate classification (germline): Uncertain significance (1 of 4 stars; one submission).

Conditions:
Generalized epilepsy with febrile seizures plus, type 7 (GEFSP7). Also called: GEFS+, TYPE 7. Identifiers: Orphanet 36387, MedGen C2751778, MONDO:0013470, OMIM 613863.
Neuropathy, hereditary sensory and autonomic, type 2A (HSAN2A). Also called: ACROOSTEOLYSIS, GIACCAI TYPE; ACROOSTEOLYSIS, NEUROGENIC; MORVAN DISEASE; NEUROPATHY, CONGENITAL SENSORY; NEUROPATHY, HEREDITARY SENSORY RADICULAR, AUTOSOMAL RECESSIVE; NEUROPATHY, HEREDITARY SENSORY, TYPE IIA. Identifiers: Orphanet 970, MedGen C2752089, MONDO:0024309, OMIM 201300.

Submission:

Labcorp Genetics (formerly Invitae), Labcorp
Classification: Uncertain significance for Neuropathy, hereditary sensory and autonomic, type 2A; Generalized epilepsy with febrile seizures plus, type 7. Last evaluated: 2022-02-03. Review status: criteria provided, single submitter. Criteria: Invitae Variant Classification Sherloc (09022015). Collection method: clinical testing. Allele origin: germline.
Comment: In summary, the available evidence is currently insufficient to determine the role of this variant in disease. Therefore, it has been classified as a Variant of Uncertain Significance. Algorithms developed to predict the effect of missense changes on protein structure and function are either unavailable or do not agree on the potential impact of this missense change (SIFT: "Deleterious"; PolyPhen-2: "Benign"; Align-GVGD: "Class C0"). ClinVar contains an entry for this variant (Variation ID: 1016135). This variant has not been reported in the literature in individuals affected with SCN9A-related conditions. This variant is not present in population databases (gnomAD no frequency). This sequence change replaces glutamic acid, which is acidic and polar, with lysine, which is basic and polar, at codon 1044 of the SCN9A protein (p.Glu1044Lys).